The following is an entry in ClinVar:

NM_000448.3(RAG1):c.2258A>T (p.His753Leu)

Gene: RAG1 (recombination activating 1; plus strand). Cytogenetic location: 11p12.
Variant type: single nucleotide variant.
Coding change: c.2258A>T on transcript NM_000448.3 (MANE Select); coding-DNA position 2258, A replaced by T.
Protein change: p.His753Leu; replaces histidine 753 with leucine.
Molecular consequence: missense variant.
Genome position (GRCh38, 1-based): chr11:36,575,562, A>T. VCF-style: chr11-36575562-A-T. GRCh37 (hg19) VCF-style: chr11-36597112-A-T.
Other names: c.2258A>T, p.His753Leu (NM_001377277.1, NM_001377278.1, NM_001377279.1 and 1 more transcripts); short protein forms H753L.
Identifiers: ClinVar variation 68690 (VCV000068690.10), dbSNP rs199474687, ClinGen allele CA219827.

ClinVar aggregate classification (germline): Conflicting classifications of pathogenicity. Review status: criteria provided, conflicting classifications (1 of 4 stars). 5 submissions from 5 submitters: Pathogenic (1); Likely pathogenic (2); Uncertain significance (1). 1 of the submissions does not count toward it. Last evaluated 2025-03-30.

Conditions:
Combined immunodeficiency due to partial RAG1 deficiency. Identifiers: Orphanet 231154, MedGen C1835931, MONDO:0012359, OMIM 609889.
RAG1-related disorder. Also called: RAG1-related disorders; RAG1-related condition.
Combined immunodeficiency with skin granulomas. Identifiers: Orphanet 157949, MedGen C2673536, MONDO:0009306, OMIM 233650.
Severe combined immunodeficiency, autosomal recessive, T cell-negative, B cell-negative, NK cell-positive. Also called: SCID, T CELL-NEGATIVE, B CELL-NEGATIVE, NK CELL-POSITIVE; Severe combined immunodeficiency due to complete RAG1/2 deficiency; SCID, AR, T-cell negative, B-cell negative, NK cell-positive. Identifiers: Orphanet 331206, MedGen C1832322, MONDO:0011086, OMIM 601457.

Allele frequency attached by ClinVar (database versions not stated): gnomAD 0.00002 and 0.00003; TOPMed 0.00002.
gnomAD v4.1: 12 of 1,614,096 alleles (0.00074%); highest among the groups gnomAD compares: African/African-American, 0.0027%; no homozygotes.

Submissions (5):

Labcorp Genetics (formerly Invitae), Labcorp
Classification: Pathogenic for Combined immunodeficiency with skin granulomas; Severe combined immunodeficiency, autosomal recessive, T cell-negative, B cell-negative, NK cell-positive. Last evaluated: 2025-03-30. Review status: criteria provided, single submitter. Criteria: Invitae Variant Classification Sherloc (09022015). Collection method: clinical testing. Allele origin: germline.
Comment: This sequence change replaces histidine, which is basic and polar, with leucine, which is neutral and non-polar, at codon 753 of the RAG1 protein (p.His753Leu). This variant is present in population databases (rs199474687, gnomAD 0.0009%). This missense change has been observed in individual(s) with clinical features of RAG1-related conditions (PMID: 11133745; internal data). In at least one individual the data is consistent with being in trans (on the opposite chromosome) from a pathogenic variant. This variant is also known as A2370T. ClinVar contains an entry for this variant (Variation ID: 68690). Invitae Evidence Modeling of protein sequence and biophysical properties (such as structural, functional, and spatial information, amino acid conservation, physicochemical variation, residue mobility, and thermodynamic stability) indicates that this missense variant is not expected to disrupt RAG1 protein function with a negative predictive value of 80%. Experimental studies are conflicting or provide insufficient evidence to determine the effect of this variant on RAG1 function (PMID: 11971977). This variant disrupts the p.His753 amino acid residue in RAG1. Other variant(s) that disrupt this residue have been observed in individuals with RAG1-related conditions (PMID: 24144642), which suggests that this may be a clinically significant amino acid residue. For these reasons, this variant has been classified as Pathogenic.

Baylor Genetics
Classification: Likely pathogenic for Combined immunodeficiency due to partial RAG1 deficiency. Last evaluated: 2024-02-12. Review status: criteria provided, single submitter. Criteria: ACMG Guidelines, 2015. Collection method: clinical testing. Allele origin: unknown.

Blueprint Genetics
Classification: Likely pathogenic for RAG1-related disorders. Last evaluated: 2022-07-25. Review status: criteria provided, single submitter. Criteria: ACMG Guidelines, 2015. Collection method: clinical testing. Allele origin: germline. Affected: yes. Observed: 1 variant allele.

Women's Health and Genetics/Laboratory Corporation of America, LabCorp
Classification: Uncertain significance. Last evaluated: 2022-06-23. Review status: criteria provided, single submitter. Criteria: LabCorp Variant Classification Summary - May 2015. Collection method: clinical testing. Allele origin: germline.
Comment: Variant summary: RAG1 c.2258A>T (p.His753Leu) results in a non-conservative amino acid change located in the Zinc Finger B region of the Core Central (CD) domain (Kumar_2015) in the encoded protein sequence. Five of five in-silico tools predict a damaging effect of the variant on protein function. The variant allele was found at a frequency of 4e-06 in 251410 control chromosomes (gnomAD). c.2258A>T has been reported in the literature in at least one compound heterozygous individual affected with atypical Severe Combined Immunodeficiency (Villa_2001). These data do not allow any conclusion about variant significance. One publication reports that disruption of the highly conserved corresponding amino acid in mouse RAG1 severely impacted DNA binding (15-50 fold decrease, Huye_2002). One ClinVar submitter has assessed the variant since 2014: the variant was classified as of uncertain significance. Based on the evidence outlined above, the variant was classified as VUS-possibly pathogenic.

UniProtKB/Swiss-Prot
No classification provided. Review status: no classification provided. Collection method: not provided. Allele origin: not provided. Not counted in ClinVar's aggregate classification.

Literature cited by the submitters: PubMed 11133745 (cited by Labcorp Genetics (formerly Invitae), Labcorp and Women's Health and Genetics/Laboratory Corporation of America, LabCorp); PubMed 11971977 (cited by Labcorp Genetics (formerly Invitae), Labcorp and Women's Health and Genetics/Laboratory Corporation of America, LabCorp); PubMed 24144642 (cited by Labcorp Genetics (formerly Invitae), Labcorp); PubMed 25976673 (cited by Women's Health and Genetics/Laboratory Corporation of America, LabCorp).